The following is an entry in ClinVar:

ClinVar aggregate classification (germline): Pathogenic/Likely pathogenic. Review status: criteria provided, multiple submitters, no conflicts (2 of 4 stars). 5 submissions from 5 submitters: Pathogenic (1); Likely pathogenic (4). Last evaluated 2025-01-16.

Conditions:
Familial cancer of breast. Also called: Hereditary breast cancer; hereditary breast carcinoma; BREAST CANCER, FAMILIAL. Identifiers: Orphanet 227535, MedGen C0346153, MONDO:0016419, OMIM 114480. Disease mechanism: loss of function.
Ataxia-telangiectasia syndrome (AT). Also called: Ataxia telangiectasia (A-T); LOUIS-BAR SYNDROME; Cerebello-oculocutaneous telangiectasia; Immunodeficiency with ataxia telangiectasia; Ataxia-telangiectasia, complementation group D; AT, COMPLEMENTATION GROUP C. Identifiers: Orphanet 100, MedGen C0004135, MONDO:0008840, OMIM 208900.
Hereditary cancer-predisposing syndrome. Also called: Hereditary neoplastic syndrome; Neoplastic Syndromes, Hereditary; Tumor predisposition; Hereditary Cancer Syndrome. Identifiers: Orphanet 140162, MedGen C0027672, MeSH D009386, MONDO:0015356.

Submissions (5):

Ambry Genetics
Classification: Likely pathogenic for Hereditary cancer-predisposing syndrome. Last evaluated: 2025-01-16. Review status: criteria provided, single submitter. Criteria: Ambry Variant Classification Scheme 2023. Collection method: clinical testing. Allele origin: germline.
Comment: The c.8850+1G>T intronic variant results from a G to T substitution one nucleotide after coding exon 60 of the ATM gene. This nucleotide position is highly conserved in available vertebrate species. In silico splice site analysis predicts that this alteration will weaken the native splice donor site. RNA studies have demonstrated that this alteration results in abnormal splicing in the set of samples tested (Ambry internal data). Alterations that disrupt the canonical splice site are expected to cause aberrant splicing, resulting in an abnormal protein or a transcript that is subject to nonsense-mediated mRNA decay. As such, this alteration is classified as likely pathogenic.

Fulgent Genetics
Classification: Likely pathogenic for Familial cancer of breast; Ataxia-telangiectasia syndrome. Last evaluated: 2024-02-19. Review status: criteria provided, single submitter. Criteria: ACMG Guidelines, 2015. Collection method: clinical testing. Allele origin: germline.

Myriad Genetics, Inc.
Classification: Likely pathogenic for Familial cancer of breast. Last evaluated: 2024-02-05. Review status: criteria provided, single submitter. Criteria: Myriad Autosomal Dominant, Autosomal Recessive and X-Linked Classification Criteria (2023). Collection method: clinical testing. Allele origin: unknown.
Comment: This variant is considered likely pathogenic. This variant occurs within a consensus splice junction and is predicted to result in abnormal mRNA splicing of either an out-of-frame exon or an in-frame exon necessary for protein stability and/or normal function.

Labcorp Genetics (formerly Invitae), Labcorp
Classification: Likely pathogenic for Ataxia-telangiectasia syndrome. Last evaluated: 2023-07-17. Review status: criteria provided, single submitter. Criteria: Invitae Variant Classification Sherloc (09022015). Collection method: clinical testing. Allele origin: germline.
Comment: Algorithms developed to predict the effect of sequence changes on RNA splicing suggest that this variant may disrupt the consensus splice site. In summary, the currently available evidence indicates that the variant is pathogenic, but additional data are needed to prove that conclusively. Therefore, this variant has been classified as Likely Pathogenic. ClinVar contains an entry for this variant (Variation ID: 1764882). This variant has not been reported in the literature in individuals affected with ATM-related conditions. This variant is not present in population databases (gnomAD no frequency). This sequence change affects a donor splice site in intron 61 of the ATM gene. It is expected to disrupt RNA splicing. Variants that disrupt the donor or acceptor splice site typically lead to a loss of protein function (PMID: 16199547), and loss-of-function variants in ATM are known to be pathogenic (PMID: 23807571, 25614872).

Department of Pathology and Laboratory Medicine, Sinai Health System
Classification: Pathogenic for Familial cancer of breast. Last evaluated: 2020-12-15. Review status: criteria provided, single submitter. Criteria: ACMG Guidelines, 2015. Collection method: clinical testing. Allele origin: germline. Affected: yes.

Literature cited by the submitters: PubMed 16199547 (cited by Labcorp Genetics (formerly Invitae), Labcorp); PubMed 23807571 (cited by Labcorp Genetics (formerly Invitae), Labcorp); PubMed 25614872 (cited by Labcorp Genetics (formerly Invitae), Labcorp).

NM_000051.4(ATM):c.8850+1G>T

Genes: ATM (ATM serine/threonine kinase; plus strand), C11orf65 (chromosome 11 open reading frame 65; minus strand). Cytogenetic location: 11q22.3.
Variant type: single nucleotide variant.
Coding change: c.8850+1G>T on transcript NM_000051.4 (MANE Select); the canonical splice donor site of the intron after coding-DNA position 8850, G replaced by T.
Molecular consequence: splice donor variant. On other transcripts: intron variant (2).
Genome position (GRCh38, 1-based): chr11:108,354,875, G>T. VCF-style: chr11-108354875-G-T. GRCh37 (hg19) VCF-style: chr11-108225602-G-T.
Other names: c.8850+1G>T (NM_001351834.2); c.640+31045C>A (NM_001330368.2); c.695-19583C>A (NM_001351110.2).
Identifiers: ClinVar variation 1764882 (VCV001764882.7), dbSNP rs1555143620, ClinGen allele CA382526130.